The following is an entry in ClinVar:

NM_000548.5(TSC2):c.216A>C (p.Lys72Asn)

Gene: TSC2 (TSC complex subunit 2; plus strand). Cytogenetic location: 16p13.3.
Variant type: single nucleotide variant.
Coding change: c.216A>C on transcript NM_000548.5 (MANE Select); coding-DNA position 216, A replaced by C.
Protein change: p.Lys72Asn; replaces lysine 72 with asparagine.
Molecular consequence: missense variant. On other transcripts: 5 prime UTR variant (1).
Genome position (GRCh38, 1-based): chr16:2,050,477, A>C. VCF-style: chr16-2050477-A-C. GRCh37 (hg19) VCF-style: chr16-2100478-A-C.
Other names: c.216A>C, p.Lys72Asn (NM_001077183.3, NM_001114382.3, NM_001318827.2 and 4 more transcripts); c.69A>C, p.Lys23Asn (NM_001318829.2); c.-11A>C (NM_001318831.2); c.249A>C, p.Lys83Asn (NM_001318832.2); c.216A>C (NM_000548.3); short protein forms K72N, K83N, K23N.
Identifiers: ClinVar variation 1346754 (VCV001346754.10), dbSNP rs1201047547, ClinGen allele CA394303591.

ClinVar aggregate classification (germline): Conflicting classifications of pathogenicity. Review status: criteria provided, conflicting classifications (1 of 4 stars). 2 submissions from 2 submitters: Uncertain significance (1); Benign (1). Last evaluated 2025-08-06.

Conditions:
Hereditary cancer-predisposing syndrome. Also called: Hereditary Cancer Syndrome; Neoplastic Syndromes, Hereditary; Tumor predisposition; Hereditary neoplastic syndrome. Identifiers: Orphanet 140162, MedGen C0027672, MeSH D009386, MONDO:0015356.
Tuberous sclerosis 2 (TSC2). Identifiers: Orphanet 805, MedGen C1860707, MONDO:0013199, OMIM 613254.

Allele frequency attached by ClinVar (database versions not stated): gnomAD 0.00001; TOPMed 0.00001.
gnomAD v4.1: 2 of 1,613,732 alleles (0.00012%); highest among the groups gnomAD compares: African/African-American, 0.0027%; no homozygotes.

Submissions (2):

Labcorp Genetics (formerly Invitae), Labcorp
Classification: Benign for Tuberous sclerosis 2. Last evaluated: 2025-08-06. Review status: criteria provided, single submitter. Criteria: Invitae Variant Classification Sherloc (09022015). Collection method: clinical testing. Allele origin: germline.

Ambry Genetics
Classification: Uncertain significance for Hereditary cancer-predisposing syndrome. Last evaluated: 2025-03-28. Review status: criteria provided, single submitter. Criteria: Ambry Variant Classification Scheme 2023. Collection method: clinical testing. Allele origin: germline.
Comment: The p.K72N variant (also known as c.216A>C), located in coding exon 2 of the TSC2 gene, results from an A to C substitution at nucleotide position 216. The lysine at codon 72 is replaced by asparagine, an amino acid with similar properties. This amino acid position is well conserved in available vertebrate species. In addition, this alteration is predicted to be tolerated by in silico analysis. Based on the available evidence, the clinical significance of this variant remains unclear.